The following is an entry in ClinVar:

NM_001243279.3(ACSF3):c.291G>C (p.Arg97Ser)

Gene: ACSF3 (acyl-CoA synthetase family member 3; plus strand). Cytogenetic location: 16q24.3.
Variant type: single nucleotide variant.
Coding change: c.291G>C on transcript NM_001243279.3 (MANE Select); coding-DNA position 291, G replaced by C.
Protein change: p.Arg97Ser; replaces arginine 97 with serine.
Molecular consequence: missense variant. On other transcripts: non-coding transcript variant (3), intron variant (1).
Genome position (GRCh38, 1-based): chr16:89,100,972, G>C. VCF-style: chr16-89100972-G-C. GRCh37 (hg19) VCF-style: chr16-89167380-G-C.
Other names: c.291G>C, p.Arg97Ser (NM_001127214.4, NM_174917.5); c.-129-1632G>C (NM_001284316.2); short protein forms R97S.
Identifiers: ClinVar variation 950969 (VCV000950969.11), dbSNP rs1299639090, ClinGen allele CA397133797.

ClinVar aggregate classification (germline): Uncertain significance. Review status: criteria provided, single submitter (1 of 4 stars). 2 submissions from 2 submitters: Uncertain significance (1). 1 of the submissions does not count toward it. Last evaluated 2021-08-13.

Conditions:
Combined malonic and methylmalonic acidemia. Identifiers: Orphanet 289504, MedGen C3280314, MONDO:0013661, OMIM 614265.

Submissions (2):

Labcorp Genetics (formerly Invitae), Labcorp
Classification: Uncertain significance for Combined malonic and methylmalonic acidemia. Last evaluated: 2021-08-13. Review status: criteria provided, single submitter. Criteria: Invitae Variant Classification Sherloc (09022015). Collection method: clinical testing. Allele origin: germline.
Comment: This sequence change replaces arginine with serine at codon 97 of the ACSF3 protein (p.Arg97Ser). The arginine residue is highly conserved and there is a moderate physicochemical difference between arginine and serine. This variant is not present in population databases (ExAC no frequency). This missense change has been observed in individual(s) with clinical features of ACSF3-related conditions (Invitae). Algorithms developed to predict the effect of missense changes on protein structure and function are either unavailable or do not agree on the potential impact of this missense change (SIFT: "Tolerated"; PolyPhen-2: "Probably Damaging"; Align-GVGD: "Class C0"). In summary, the available evidence is currently insufficient to determine the role of this variant in disease. Therefore, it has been classified as a Variant of Uncertain Significance.

Natera, Inc.
Classification: Uncertain significance for Combined malonic and methylmalonic aciduria. Last evaluated: 2021-03-23. Review status: no assertion criteria provided. Collection method: clinical testing. Allele origin: germline. Not counted in ClinVar's aggregate classification.